The following is an entry in ClinVar:

NM_019059.5(TOMM7):c.73T>C (p.Trp25Arg)

Gene: TOMM7 (translocase of outer mitochondrial membrane 7; minus strand). Cytogenetic location: 7p15.3.
Variant type: single nucleotide variant.
Coding change: c.73T>C on transcript NM_019059.5 (MANE Select); coding-DNA position 73, T replaced by C.
Protein change: p.Trp25Arg; replaces tryptophan 25 with arginine.
Molecular consequence: missense variant.
Genome position (GRCh38, 1-based): chr7:22,822,707, A>G on the plus strand (T>C on the coding strand, the complement: TOMM7 is on the minus strand). VCF-style: chr7-22822707-A-G. GRCh37 (hg19) VCF-style: chr7-22862326-A-G.
Other names: short protein forms W25R.
Identifiers: ClinVar variation 1679423 (VCV001679423.3), dbSNP rs1782411099, ClinGen allele CA367026214.

ClinVar aggregate classification (germline): Pathogenic/Likely pathogenic. Review status: no assertion criteria provided (0 of 4 stars). 2 submissions from 2 submitters: Pathogenic (1); Likely pathogenic (1). Last evaluated 2023-11-13.

Conditions:
Garg-Mishra progeroid syndrome (GMPGS). Identifiers: MedGen C5882717, MONDO:0957953, OMIM 620601.

Submissions (2):

OMIM
Classification: Pathogenic for GARG-MISHRA PROGEROID SYNDROME. Last evaluated: 2023-11-13. Review status: no assertion criteria provided. Collection method: literature only. Allele origin: germline.

Rare Disease Group, Clinical Genetics, Karolinska Institutet
Classification: Likely pathogenic. Last evaluated: 2022-04-28. Review status: no assertion criteria provided. Collection method: research. Allele origin: inherited. Inheritance: Autosomal recessive inheritance. Affected: yes. Observed: 1 homozygote.
Comment: The Trp25Arg variant in TOMM7 likely creates a hypomorphic allele supported by mouse studies. The variant is absent in public databases and prediction tools indicates high pathogenicity.

Literature cited by the submitters: PubMed 36299998 (cited by OMIM).